The following is an entry in ClinVar:

NM_197968.4(ZMYM2):c.799G>T (p.Ala267Ser)

Gene: ZMYM2 (zinc finger MYM-type containing 2; plus strand). Cytogenetic location: 13q12.11.
Variant type: single nucleotide variant.
Coding change: c.799G>T on transcript NM_197968.4 (MANE Select); coding-DNA position 799, G replaced by T.
Protein change: p.Ala267Ser; replaces alanine 267 with serine.
Molecular consequence: missense variant. On other transcripts: non-coding transcript variant (1).
Genome position (GRCh38, 1-based): chr13:19,993,871, G>T. VCF-style: chr13-19993871-G-T. GRCh37 (hg19) VCF-style: chr13-20568011-G-T.
Other names: c.799G>T, p.Ala267Ser (NM_001190964.4, NM_001190965.4, NM_001353157.2 and 5 more transcripts); c.604G>T, p.Ala202Ser (NM_001353161.3); c.538G>T, p.Ala180Ser (NM_001353163.2); short protein forms A180S, A202S, A267S.
Identifiers: ClinVar variation 2637211 (VCV002637211.1), dbSNP rs2501917123, ClinGen allele CA387668394.
Genomic context (GRCh38, chr13:19,993,871, plus strand): 5'-TCTTTAACTTCACAGACCAAGACTGGAGTAGGACCTTTTAATCCTGGTAGAATGAATGTG[G>T]CAGGAGACGTTTTTCAGAATGGAGAATCTGCAACTCATCATAATCCTGGTAAGCAGTAAG-3'
Protein context (NP_932072.1, residues 257-277): GPFNPGRMNV[Ala267Ser]GDVFQNGESA

ClinVar aggregate classification (germline): Uncertain significance (1 of 4 stars; one submission).

Conditions:
ZMYM2-related disorder. Also called: ZMYM2-related condition.

Submission:

PreventionGenetics, part of Exact Sciences
Classification: Uncertain significance for ZMYM2-related condition. Last evaluated: 2022-10-06. Review status: criteria provided, single submitter. Criteria: ACMG Guidelines, 2015. Collection method: clinical testing. Allele origin: germline.
Comment: The ZMYM2 c.799G>T variant is predicted to result in the amino acid substitution p.Ala267Ser. To our knowledge, this variant has not been reported in the literature or in a large population database, indicating this variant is rare. At this time, the clinical significance of this variant is uncertain due to the absence of conclusive functional and genetic evidence.